The following is an entry in ClinVar:

ClinVar aggregate classification (germline): Pathogenic. Review status: criteria provided, single submitter (1 of 4 stars). 2 submissions from 2 submitters: Pathogenic (1). 1 of the submissions does not count toward it. Last evaluated 2022-09-01.

Conditions:
Spinocerebellar ataxia type 28 (SCA28). Also called: Spinocerebellar Ataxia Type 28 (SCA28). Identifiers: Orphanet 101109, MedGen C1853249, MONDO:0012450, OMIM 610246.

Submissions (2):

3billion
Classification: Pathogenic for Spinocerebellar ataxia type 28. Last evaluated: 2022-09-01. Review status: criteria provided, single submitter. Criteria: ACMG Guidelines, 2015. Collection method: clinical testing. Allele origin: germline. Affected: yes. Observed: 1 heterozygote.
Comment: The variant is not observed in the gnomAD v2.1.1 dataset. Missense changes are a common disease-causing mechanism. Functional studies provide strong evidence of the variant having a damaging effect on the gene or gene product (PMID: 20208537). In silico tool predictions suggest damaging effect of the variant on gene or gene product (REVEL: 0.88; 3Cnet: 0.20). Same nucleotide change resulting in same amino acid change has been previously reported to be associated with AFG3L2-related disorder (ClinVar ID: VCV000005470 / PMID: 20208537). The variant has been reported to co-segregate with the disease in at least 5 similarly affected relatives/individuals in the same family or similarly affected unrelated families (PMID: 20208537). Therefore, this variant is classified as Pathogenic according to the recommendation of ACMG/AMP guideline.

OMIM
Classification: Pathogenic for SPINOCEREBELLAR ATAXIA 28. Last evaluated: 2010-04-01. Review status: no assertion criteria provided. Collection method: literature only. Allele origin: germline. Not counted in ClinVar's aggregate classification.

Literature cited by the submitters: PubMed 20208537 (cited by 3billion and OMIM); PubMed 16251216 (cited by OMIM).

NM_006796.3(AFG3L2):c.2071G>A (p.Glu691Lys)

Gene: AFG3L2 (AFG3 like matrix AAA peptidase subunit 2; minus strand). Cytogenetic location: 18p11.21.
Variant type: single nucleotide variant.
Coding change: c.2071G>A on transcript NM_006796.3 (MANE Select); coding-DNA position 2071, G replaced by A.
Protein change: p.Glu691Lys; replaces glutamic acid 691 with lysine.
Molecular consequence: missense variant.
Genome position (GRCh38, 1-based): chr18:12,337,445, C>T on the plus strand (G>A on the coding strand, the complement: AFG3L2 is on the minus strand). VCF-style: chr18-12337445-C-T. GRCh37 (hg19) VCF-style: chr18-12337444-C-T.
Other names: short protein forms E691K.
Identifiers: ClinVar variation 5470 (VCV000005470.4), dbSNP rs151344520, ClinGen allele CA340419.